The following is an entry in ClinVar:

NM_000090.4(COL3A1):c.583-4C>G

Gene: COL3A1 (collagen type III alpha 1 chain; plus strand). Cytogenetic location: 2q32.2.
Variant type: single nucleotide variant.
Coding change: c.583-4C>G on transcript NM_000090.4 (MANE Select); 4 bases into the intron before coding-DNA position 583, C replaced by G.
Molecular consequence: intron variant.
Genome position (GRCh38, 1-based): chr2:188,988,586, C>G. VCF-style: chr2-188988586-C-G. GRCh37 (hg19) VCF-style: chr2-189853312-C-G.
Identifiers: ClinVar variation 2837541 (VCV002837541.3), dbSNP rs2469114443, ClinGen allele CA2739278521.
Genomic context (GRCh38, chr2:188,988,586, plus strand): 5'-AGATGTAAATGAATTATATGAAGATTTTGTTACTTTAAAATTATTTACATATTCTACTCA[C>G]TAGGGATCTCCAGGATACCAAGGACCCCCTGGTGAACCTGGGCAAGCTGGTCCTTCAGTA-3'

ClinVar aggregate classification (germline): Uncertain significance (1 of 4 stars; one submission).

Conditions:
Ehlers-Danlos syndrome, type 4 (EDSVASC). Also called: Ehlers-Danlos syndrome vascular type; Ehlers Danlos syndrome, ecchymotic type; Ehlers Danlos syndrome, arterial type; Ehlers Danlos syndrome, Sack-Barabas type; Ehlers-Danlos Syndrome Type IV. Identifiers: Orphanet 286, MedGen C0268338, MONDO:0017314, OMIM 130050.

Submission:

Labcorp Genetics (formerly Invitae), Labcorp
Classification: Uncertain significance for Ehlers-Danlos syndrome, type 4. Last evaluated: 2023-07-13. Review status: criteria provided, single submitter. Criteria: Invitae Variant Classification Sherloc (09022015). Collection method: clinical testing. Allele origin: germline.
Comment: This sequence change falls in intron 6 of the COL3A1 gene. It does not directly change the encoded amino acid sequence of the COL3A1 protein. This variant is not present in population databases (gnomAD no frequency). Algorithms developed to predict the effect of sequence changes on RNA splicing suggest that this variant may create or strengthen a splice site. This variant has not been reported in the literature in individuals affected with COL3A1-related conditions. In summary, the available evidence is currently insufficient to determine the role of this variant in disease. Therefore, it has been classified as a Variant of Uncertain Significance.